The following is an entry in ClinVar:

NM_144670.6(A2ML1):c.728+13G>A

Gene: A2ML1 (alpha-2-macroglobulin like 1; plus strand). Cytogenetic location: 12p13.31.
Variant type: single nucleotide variant.
Coding change: c.728+13G>A on transcript NM_144670.6 (MANE Select); 13 bases into the intron after coding-DNA position 728, G replaced by A.
Molecular consequence: intron variant.
Genome position (GRCh38, 1-based): chr12:8,836,352, G>A. VCF-style: chr12-8836352-G-A. GRCh37 (hg19) VCF-style: chr12-8988948-G-A.
Identifiers: ClinVar variation 981105 (VCV000981105.9), dbSNP rs373095814, ClinGen allele CA6435403.

ClinVar aggregate classification (germline): Benign/Likely benign. Review status: criteria provided, multiple submitters, no conflicts (2 of 4 stars). 2 submissions from 2 submitters: Benign (1); Likely benign (1). Last evaluated 2026-01-12.

Allele frequency attached by ClinVar (database versions not stated): gnomAD exomes 0.00005; ExAC 0.00008; 1000 Genomes Project 0.00020; ESP Exome Variant Server 0.00025; gnomAD 0.00025; TOPMed 0.00028; 1000 Genomes Project 30x 0.00078.
gnomAD v4.1: 71 of 1,606,204 alleles (0.0044%); highest among the groups gnomAD compares: African/African-American, 0.094%; 1 homozygote.

Submissions (2):

Labcorp Genetics (formerly Invitae), Labcorp
Classification: Likely benign. Last evaluated: 2026-01-12. Review status: criteria provided, single submitter. Criteria: Invitae Variant Classification Sherloc (09022015). Collection method: clinical testing. Allele origin: germline.

Women's Health and Genetics/Laboratory Corporation of America, LabCorp
Classification: Benign. Last evaluated: 2020-09-08. Review status: criteria provided, single submitter. Criteria: LabCorp Variant Classification Summary - May 2015. Collection method: clinical testing. Allele origin: germline.
Comment: Variant summary: A2ML1 c.728+13G>A alters a non-conserved nucleotide located close to a canonical splice site and therefore could affect mRNA splicing, leading to a significantly altered protein sequence. 4/4 computational tools predict no significant impact on normal splicing. However, these predictions have yet to be confirmed by functional studies. The variant allele was found at a frequency of 5.2e-05 in 248972 control chromosomes, predominantly at a frequency of 0.00084 within the African or African-American subpopulation in the gnomAD database. The observed variant frequency within African or African-American control individuals in the gnomAD database is approximately 210 fold of the estimated maximal expected allele frequency for a pathogenic variant in A2ML1 causing Noonan Syndrome phenotype (4e-06), strongly suggesting that the variant is a benign polymorphism found primarily in populations of African or African-American origin. To our knowledge, no occurrence of c.728+13G>A in individuals affected with Noonan Syndrome and no experimental evidence demonstrating its impact on protein function have been reported. No clinical diagnostic laboratories have submitted clinical-significance assessments for this variant to ClinVar after 2014. Based on the evidence outlined above, the variant was classified as benign.